The following is an entry in ClinVar:

ClinVar aggregate classification (germline): Conflicting classifications of pathogenicity. Review status: criteria provided, conflicting classifications (1 of 4 stars). 2 submissions from 2 submitters: Uncertain significance (1); Likely benign (1). Last evaluated 2025-12-08.

Conditions:
Cardiovascular phenotype. Identifiers: MedGen CN230736.
Hypercholesterolemia, autosomal dominant, type B (FHCL2). Also called: Familial Hypercholesterolemia Type B; APOLIPOPROTEIN B-100, FAMILIAL DEFECTIVE; APOLIPOPROTEIN B-100, FAMILIAL LIGAND-DEFECTIVE; HYPERCHOLESTEROLEMIA, FAMILIAL, DUE TO LIGAND-DEFECTIVE APOLIPOPROTEIN B; Familial hypercholesterolemia 2; APOB-Related Familial Hypercholesterolemia, Autosomal Dominant. Identifiers: MedGen C1704417, MONDO:0007751, OMIM 144010.
Familial hypobetalipoproteinemia 1. Also called: APOB-Related Familial Hypobetalipoproteinemia; Hypobetalipoproteinemia, normotriglyceridemic; Acanthocytosis with hypobetalipoproteinemia. Identifiers: MedGen C4551990, MONDO:0014252, OMIM 615558.

Allele frequency attached by ClinVar (database versions not stated): gnomAD exomes below 0.00001 and 0.00001; gnomAD 0.00001; TOPMed 0.00001 and 0.00002.
gnomAD v4.1: 9 of 1,602,160 alleles (0.00056%); highest among the groups gnomAD compares: African/African-American, 0.0027%; no homozygotes.

Submissions (2):

Labcorp Genetics (formerly Invitae), Labcorp
Classification: Likely benign for Familial hypobetalipoproteinemia 1; Hypercholesterolemia, autosomal dominant, type B. Last evaluated: 2025-12-08. Review status: criteria provided, single submitter. Criteria: Invitae Variant Classification Sherloc (09022015). Collection method: clinical testing. Allele origin: germline.

Ambry Genetics
Classification: Uncertain significance for Cardiovascular phenotype. Last evaluated: 2023-12-30. Review status: criteria provided, single submitter. Criteria: Ambry Variant Classification Scheme 2023. Collection method: clinical testing. Allele origin: germline.
Comment: The p.Y4340F variant (also known as c.13019A>T), located in coding exon 29 of the APOB gene, results from an A to T substitution at nucleotide position 13019. The tyrosine at codon 4340 is replaced by phenylalanine, an amino acid with highly similar properties. This amino acid position is conserved. In addition, this alteration is predicted to be tolerated by in silico analysis. Since supporting evidence is limited at this time, the clinical significance of this alteration remains unclear.

NM_000384.3(APOB):c.13019A>T (p.Tyr4340Phe)

Gene: APOB (apolipoprotein B; minus strand). Cytogenetic location: 2p24.1.
Variant type: single nucleotide variant.
Coding change: c.13019A>T on transcript NM_000384.3 (MANE Select); coding-DNA position 13019, A replaced by T.
Protein change: p.Tyr4340Phe; replaces tyrosine 4340 with phenylalanine.
Molecular consequence: missense variant.
Genome position (GRCh38, 1-based): chr2:21,002,403, T>A on the plus strand (A>T on the coding strand, the complement: APOB is on the minus strand). VCF-style: chr2-21002403-T-A. GRCh37 (hg19) VCF-style: chr2-21225275-T-A.
Other names: short protein forms Y4340F.
Identifiers: ClinVar variation 3231375 (VCV003231375.2), dbSNP rs1384360004, ClinGen allele CA345969794.